The following is an entry in ClinVar:

ClinVar aggregate classification (germline): Benign (1 of 4 stars; one submission).

Allele frequency attached by ClinVar (database versions not stated): gnomAD 0.09840 and 0.10431; TOPMed 0.11155; 1000 Genomes Project 0.11681; 1000 Genomes Project 30x 0.12164.
gnomAD v4.1: 14,813 of 152,004 alleles (9.7%); highest among the groups gnomAD compares: African/African-American, 32%; 2,185 homozygotes.

Submission:

GeneDx
Classification: Benign. Last evaluated: 2018-06-14. Review status: criteria provided, single submitter. Criteria: GeneDx Variant Classification (06012015). Collection method: clinical testing. Allele origin: germline. Affected: yes.
Comment: This variant is considered likely benign or benign based on one or more of the following criteria: it is a conservative change, it occurs at a poorly conserved position in the protein, it is predicted to be benign by multiple in silico algorithms, and/or has population frequency not consistent with disease.

NM_004408.4(DNM1):c.1671+241C>T

Gene: DNM1 (dynamin 1; plus strand). Cytogenetic location: 9q34.11.
Variant type: single nucleotide variant.
Coding change: c.1671+241C>T on transcript NM_004408.4 (MANE Select); 241 bases into the intron after coding-DNA position 1671, C replaced by T.
Molecular consequence: intron variant.
Genome position (GRCh38, 1-based): chr9:128,242,586, C>T. VCF-style: chr9-128242586-C-T. GRCh37 (hg19) VCF-style: chr9-131004865-C-T.
Other names: c.1671+241C>T (NM_001005336.3, NM_001288738.2, NM_001288737.2 and 1 more transcripts).
Identifiers: ClinVar variation 677409 (VCV000677409.1), dbSNP rs28494699, ClinGen allele CA200362423.